The following is an entry in ClinVar:

NM_015080.4(NRXN2):c.1317G>A (p.Pro439=)

Gene: NRXN2 (neurexin 2; minus strand). Cytogenetic location: 11q13.1.
Variant type: single nucleotide variant.
Coding change: c.1317G>A on transcript NM_015080.4 (MANE Select); coding-DNA position 1317, G replaced by A.
Protein change: p.Pro439=; no amino-acid change (proline 439 retained).
Molecular consequence: synonymous variant.
Genome position (GRCh38, 1-based): chr11:64,668,485, C>T on the plus strand (G>A on the coding strand, the complement: NRXN2 is on the minus strand). VCF-style: chr11-64668485-C-T. GRCh37 (hg19) VCF-style: chr11-64435957-C-T.
Other names: c.1317G>A, p.Pro439= (NM_001376262.1); c.1296G>A, p.Pro432= (NM_001376263.1, NM_001376267.1); c.1272G>A, p.Pro424= (NM_001376265.1); c.1293G>A, p.Pro431= (NM_001376266.1); c.1224G>A, p.Pro408= (NM_138732.3).
Identifiers: ClinVar variation 4083580 (VCV004083580.8).

ClinVar aggregate classification (germline): Likely benign (1 of 4 stars; one submission).

gnomAD v4.1: 374 of 1,614,050 alleles (0.023%); highest among the groups gnomAD compares: Middle Eastern, 0.083%; no homozygotes.

Submission:

CeGaT Center for Human Genetics Tuebingen
Classification: Likely benign. Last evaluated: 2025-07-01. Review status: criteria provided, single submitter. Criteria: CeGaT Center For Human Genetics Tuebingen Variant Classification Criteria Version 2. Collection method: clinical testing. Allele origin: germline. Affected: yes. Observed: 1 variant allele.
Comment: NRXN2: BP4, BP7